The following is an entry in ClinVar:

ClinVar aggregate classification (germline): Likely benign. Review status: criteria provided, single submitter (1 of 4 stars). 2 submissions from 2 submitters: Likely benign (1). 1 of the submissions does not count toward it. Last evaluated 2025-02-16.

Conditions:
IFT74-related disorder. Also called: IFT74-related condition; IFT74-Related Disorders.

Allele frequency attached by ClinVar (database versions not stated): gnomAD exomes below 0.00001.
gnomAD v4.1: 10 of 1,613,664 alleles (0.00062%); highest among the groups gnomAD compares: African/African-American, 0.0027%; no homozygotes.

Submissions (2):

Labcorp Genetics (formerly Invitae), Labcorp
Classification: Likely benign. Last evaluated: 2025-02-16. Review status: criteria provided, single submitter. Criteria: Invitae Variant Classification Sherloc (09022015). Collection method: clinical testing. Allele origin: germline.

PreventionGenetics, part of Exact Sciences
Classification: Likely benign for IFT74-related condition. Last evaluated: 2022-01-10. Review status: no assertion criteria provided. Collection method: clinical testing. Allele origin: germline. Not counted in ClinVar's aggregate classification.
Comment: This variant is classified as likely benign based on ACMG/AMP sequence variant interpretation guidelines (Richards et al. 2015 PMID: 25741868, with internal and published modifications).

NM_025103.4(IFT74):c.201T>G (p.Val67=)

Gene: IFT74 (intraflagellar transport 74; plus strand). Cytogenetic location: 9p21.2.
Variant type: single nucleotide variant.
Coding change: c.201T>G on transcript NM_025103.4 (MANE Select); coding-DNA position 201, T replaced by G.
Protein change: p.Val67=; no amino-acid change (valine 67 retained).
Molecular consequence: synonymous variant.
Genome position (GRCh38, 1-based): chr9:26,978,208, T>G. VCF-style: chr9-26978208-T-G. GRCh37 (hg19) VCF-style: chr9-26978206-T-G.
Other names: c.201T>G, p.Val67= (NM_001099222.3, NM_001099223.3, NM_001099224.3 and 1 more transcripts); c.201T>G (NM_025103.2).
Identifiers: ClinVar variation 2182291 (VCV002182291.6), dbSNP rs1033605997, ClinGen allele CA191308339.